The following is an entry in ClinVar:

ClinVar aggregate classification (germline): Uncertain significance. Review status: criteria provided, multiple submitters, no conflicts (2 of 4 stars). 3 submissions from 3 submitters: Uncertain significance (2). 1 of the submissions does not count toward it. Last evaluated 2025-04-06.

Conditions:
Hereditary cancer-predisposing syndrome. Also called: Neoplastic Syndromes, Hereditary; Tumor predisposition; Hereditary Cancer Syndrome; Hereditary neoplastic syndrome. Identifiers: Orphanet 140162, MedGen C0027672, MeSH D009386, MONDO:0015356.
Fanconi anemia (FA). Also called: Fanconi's anemia. Identifiers: Orphanet 84, MedGen C0015625, MeSH D005199, MONDO:0019391.

gnomAD v4.1: 1 of 1,612,680 alleles (0.000062%); highest among the groups gnomAD compares: Non-Finnish European, 0.000085%; no homozygotes.

Submissions (3):

Ambry Genetics
Classification: Uncertain significance for Hereditary cancer-predisposing syndrome. Last evaluated: 2025-04-06. Review status: criteria provided, single submitter. Criteria: Ambry Variant Classification Scheme 2023. Collection method: clinical testing. Allele origin: germline.
Comment: The p.T171A variant (also known as c.511A>G), located in coding exon 5 of the FANCC gene, results from an A to G substitution at nucleotide position 511. The threonine at codon 171 is replaced by alanine, an amino acid with similar properties. This amino acid position is conserved. In addition, this alteration is predicted to be tolerated by in silico analysis. Based on the available evidence, the clinical significance of this variant remains unclear.

Labcorp Genetics (formerly Invitae), Labcorp
Classification: Uncertain significance for Fanconi anemia. Last evaluated: 2017-12-05. Review status: criteria provided, single submitter. Criteria: Invitae Variant Classification Sherloc (09022015). Collection method: clinical testing. Allele origin: germline.
Comment: In summary, the available evidence is currently insufficient to determine the role of this variant in disease. Therefore, it has been classified as a Variant of Uncertain Significance. Algorithms developed to predict the effect of missense changes on protein structure and function do not agree on the potential impact of this missense change (SIFT: "Tolerated"; PolyPhen-2: "Possibly Damaging"; Align-GVGD: "Class C0"). This variant has not been reported in the literature in individuals with FANCC-related disease. This variant is not present in population databases (ExAC no frequency). This sequence change replaces threonine with alanine at codon 171 of the FANCC protein (p.Thr171Ala). The threonine residue is moderately conserved and there is a small physicochemical difference between threonine and alanine.

Natera, Inc.
Classification: Uncertain significance for Fanconi anemia. Last evaluated: 2021-10-19. Review status: no assertion criteria provided. Collection method: clinical testing. Allele origin: germline. Not counted in ClinVar's aggregate classification.

NM_000136.3(FANCC):c.511A>G (p.Thr171Ala)

Gene: FANCC (FA complementation group C; minus strand). Cytogenetic location: 9q22.32.
Variant type: single nucleotide variant.
Coding change: c.511A>G on transcript NM_000136.3 (MANE Select); coding-DNA position 511, A replaced by G.
Protein change: p.Thr171Ala; replaces threonine 171 with alanine.
Molecular consequence: missense variant.
Genome position (GRCh38, 1-based): chr9:95,171,089, T>C on the plus strand (A>G on the coding strand, the complement: FANCC is on the minus strand). VCF-style: chr9-95171089-T-C. GRCh37 (hg19) VCF-style: chr9-97933371-T-C.
Other names: c.511A>G, p.Thr171Ala (NM_001243743.2, NM_001243744.2); short protein forms T171A.
Identifiers: ClinVar variation 526414 (VCV000526414.13), dbSNP rs1554842592, ClinGen allele CA374338559.